The following is an entry in ClinVar:

NM_003482.4(KMT2D):c.11568GCA[4] (p.Gln3863del)

Gene: KMT2D (lysine methyltransferase 2D; minus strand). Cytogenetic location: 12q13.12.
Variant type: Microsatellite.
Coding change: c.11568GCA[4] on transcript NM_003482.4 (MANE Select); four copies in a row of the 3-base unit GCA starting at c.11568; the reference has five copies in a row; one copy, 3 bases deleted.
Protein change: p.Gln3863del; deletes glutamine 3863.
Molecular consequence: inframe deletion. On other transcripts: inframe indel (1).
Genome position (GRCh38, 1-based): chr12:49,033,123-49,033,125, TGC deleted on the plus strand (GCA on the coding strand, the reverse complement: KMT2D is on the minus strand); deleting any 3 consecutive bases within chr12:49,033,123-49,033,139 gives the same sequence; the position shown is the placement nearest the transcript's 3' end. VCF-style (leftmost placement, unchanged base first): chr12-49033122-TTGC-T. GRCh37 (hg19) VCF-style: chr12-49426905-TTGC-T.
Other names: c.11566_11568CAG[4], p.Gln3863del (NM_003482.3); c.11580_11582delGCA (NM_003482.3); short protein forms Q3863del.
Identifiers: ClinVar variation 1963813 (VCV001963813.7), dbSNP rs748986705, ClinGen allele CA6546307.

ClinVar aggregate classification (germline): Uncertain significance. Review status: criteria provided, single submitter (1 of 4 stars). 2 submissions from 2 submitters: Uncertain significance (1). 1 of the submissions does not count toward it. Last evaluated 2024-01-22.

Conditions:
KMT2D-related disorder. Also called: KMT2D-Related Disorders.
Kabuki syndrome. Also called: Kabuki make-up syndrome; NIIKAWA-KUROKI SYNDROME. Identifiers: Orphanet 2322, MedGen C0796004, MONDO:0016512.

Submissions (2):

Labcorp Genetics (formerly Invitae), Labcorp
Classification: Uncertain significance for Kabuki syndrome. Last evaluated: 2024-01-22. Review status: criteria provided, single submitter. Criteria: Invitae Variant Classification Sherloc (09022015). Collection method: clinical testing. Allele origin: germline.
Comment: This variant, c.11580_11582del, results in the deletion of 1 amino acid(s) of the KMT2D protein (p.Gln3863del), but otherwise preserves the integrity of the reading frame. The frequency data for this variant in the population databases is considered unreliable, as metrics indicate poor data quality at this position in the gnomAD database. This variant has not been reported in the literature in individuals affected with KMT2D-related conditions. Experimental studies and prediction algorithms are not available or were not evaluated, and the functional significance of this variant is currently unknown. In summary, the available evidence is currently insufficient to determine the role of this variant in disease. Therefore, it has been classified as a Variant of Uncertain Significance.

PreventionGenetics, part of Exact Sciences
Classification: Uncertain significance for KMT2D-related condition. Last evaluated: 2023-11-30. Review status: no assertion criteria provided. Collection method: clinical testing. Allele origin: germline. Not counted in ClinVar's aggregate classification.
Comment: The KMT2D c.11580_11582delGCA variant is predicted to result in an in-frame deletion (p.Gln3863del). To our knowledge, this variant has not been reported in the literature. This variant is reported in 0.035% of alleles in individuals of Ashkenazi Jewish descent in gnomAD. At this time, the clinical significance of this variant is uncertain due to the absence of conclusive functional and genetic evidence.